The following is an entry in ClinVar:

ClinVar aggregate classification (germline): Uncertain significance. Review status: criteria provided, multiple submitters, no conflicts (2 of 4 stars). 2 submissions from 2 submitters: Uncertain significance (2). Last evaluated 2025-11-05.

Conditions:
Hereditary cancer-predisposing syndrome. Also called: Neoplastic Syndromes, Hereditary; Tumor predisposition; Hereditary Cancer Syndrome; Hereditary neoplastic syndrome. Identifiers: Orphanet 140162, MedGen C0027672, MeSH D009386, MONDO:0015356.
Rhabdoid tumor predisposition syndrome 2 (RTPS2). Identifiers: Orphanet 231108, Orphanet 69077, MedGen C2750074, MONDO:0013224, OMIM 613325.

Submissions (2):

Labcorp Genetics (formerly Invitae), Labcorp
Classification: Uncertain significance for Rhabdoid tumor predisposition syndrome 2. Last evaluated: 2025-11-05. Review status: criteria provided, single submitter. Criteria: Invitae Variant Classification Sherloc (09022015). Collection method: clinical testing. Allele origin: germline.
Comment: This sequence change replaces methionine, which is neutral and non-polar, with threonine, which is neutral and polar, at codon 217 of the SMARCA4 protein (p.Met217Thr). This variant is not present in population databases (gnomAD no frequency). This variant has not been reported in the literature in individuals affected with SMARCA4-related conditions. ClinVar contains an entry for this variant (Variation ID: 1753963). Invitae Evidence Modeling of protein sequence and biophysical properties (such as structural, functional, and spatial information, amino acid conservation, physicochemical variation, residue mobility, and thermodynamic stability) indicates that this missense variant is not expected to disrupt SMARCA4 protein function with a negative predictive value of 95%. In summary, the available evidence is currently insufficient to determine the role of this variant in disease. Therefore, it has been classified as a Variant of Uncertain Significance.

Ambry Genetics
Classification: Uncertain significance for Hereditary cancer-predisposing syndrome. Last evaluated: 2022-06-17. Review status: criteria provided, single submitter. Criteria: Ambry Variant Classification Scheme 2023. Collection method: clinical testing. Allele origin: germline.
Comment: The p.M217T variant (also known as c.650T>C), located in coding exon 3 of the SMARCA4 gene, results from a T to C substitution at nucleotide position 650. The methionine at codon 217 is replaced by threonine, an amino acid with similar properties. This amino acid position is not well conserved in available vertebrate species. In addition, the in silico prediction for this alteration is inconclusive. Missense and in-frame variants in SMARCA4 are known to cause neurodevelopmental disorders; however, such associations with rhabdoid tumor predisposition syndrome including small cell carcinoma of the ovary-hypercalcemic type (SCCOHT) are exceedingly rare (Kosho T et al. Am J Med Genet C Semin Med Genet. 2014 Sep;166C(3):262-75; Jelinic P et al. Nat Genet. 2014 May;46(5):424-6). Based on the supporting evidence, the association of this alteration with Coffin-Siris syndrome is unknown; however, the association of this alteration with rhabdoid tumor predisposition syndrome is unlikely.

NM_003072.5(SMARCA4):c.650T>C (p.Met217Thr)

Gene: SMARCA4 (SWI/SNF related BAF chromatin remodeling complex subunit ATPase 4; plus strand). Cytogenetic location: 19p13.2.
Variant type: single nucleotide variant.
Coding change: c.650T>C on transcript NM_003072.5 (MANE Select); coding-DNA position 650, T replaced by C.
Protein change: p.Met217Thr; replaces methionine 217 with threonine.
Molecular consequence: missense variant. On other transcripts: non-coding transcript variant (1).
Genome position (GRCh38, 1-based): chr19:10,986,483, T>C. VCF-style: chr19-10986483-T-C. GRCh37 (hg19) VCF-style: chr19-11097159-T-C.
Other names: c.650T>C, p.Met217Thr (NM_001128844.3, NM_001128845.2, NM_001128846.2 and 6 more transcripts); short protein forms M217T.
Identifiers: ClinVar variation 1753963 (VCV001753963.3), dbSNP rs1060502066, ClinGen allele CA404056799.